The following is an entry in ClinVar:

ClinVar aggregate classification (germline): Uncertain significance. Review status: criteria provided, multiple submitters, no conflicts (2 of 4 stars). 2 submissions from 2 submitters: Uncertain significance (2). Last evaluated 2025-11-12.

Conditions:
Epilepsy, progressive myoclonic, 1B. Also called: PME. Identifiers: Orphanet 308, MedGen C2676254, MONDO:0012904, OMIM 612437.

Allele frequency attached by ClinVar (database versions not stated): TOPMed 0.00001; gnomAD 0.00001; gnomAD exomes below 0.00001.

Submissions (2):

Ambry Genetics
Classification: Uncertain significance. Last evaluated: 2025-11-12. Review status: criteria provided, single submitter. Criteria: Ambry Variant Classification Scheme 2023. Collection method: clinical testing. Allele origin: germline.

Labcorp Genetics (formerly Invitae), Labcorp
Classification: Uncertain significance for Epilepsy, progressive myoclonic, 1B. Last evaluated: 2022-06-05. Review status: criteria provided, single submitter. Criteria: Invitae Variant Classification Sherloc (09022015). Collection method: clinical testing. Allele origin: germline.
Comment: This sequence change replaces serine, which is neutral and polar, with leucine, which is neutral and non-polar, at codon 353 of the PRICKLE1 protein (p.Ser353Leu). This variant is present in population databases (no rsID available, gnomAD no frequency). This variant has not been reported in the literature in individuals affected with PRICKLE1-related conditions. ClinVar contains an entry for this variant (Variation ID: 1444328). Algorithms developed to predict the effect of missense changes on protein structure and function (SIFT, PolyPhen-2, Align-GVGD) all suggest that this variant is likely to be tolerated. In summary, the available evidence is currently insufficient to determine the role of this variant in disease. Therefore, it has been classified as a Variant of Uncertain Significance.

NM_153026.3(PRICKLE1):c.1058C>T (p.Ser353Leu)

Genes: PRICKLE1 (prickle planar cell polarity protein 1; minus strand), LOC126861509 (BRD4-independent group 4 enhancer GRCh37_chr12:42858567-42859766; plus strand). Cytogenetic location: 12q12.
Variant type: single nucleotide variant.
Coding change: c.1058C>T on transcript NM_153026.3 (MANE Select); coding-DNA position 1058, C replaced by T.
Protein change: p.Ser353Leu; replaces serine 353 with leucine.
Molecular consequence: missense variant.
Genome position (GRCh38, 1-based): chr12:42,464,976, G>A on the plus strand (C>T on the coding strand, the complement: PRICKLE1 is on the minus strand). VCF-style: chr12-42464976-G-A. GRCh37 (hg19) VCF-style: chr12-42858778-G-A.
Other names: c.1058C>T, p.Ser353Leu (NM_001144881.2, NM_001144882.2, NM_001144883.2); c.1058C>T (NM_153026.2); short protein forms S353L.
Identifiers: ClinVar variation 1444328 (VCV001444328.6), dbSNP rs1454994864, ClinGen allele CA384442556.